The following is an entry in ClinVar:

NM_032776.3(JMJD1C):c.556C>T (p.Pro186Ser)

Gene: JMJD1C (jumonji domain containing 1C; minus strand). Cytogenetic location: 10q21.3.
Variant type: single nucleotide variant.
Coding change: c.556C>T on transcript NM_032776.3 (MANE Select); coding-DNA position 556, C replaced by T.
Protein change: p.Pro186Ser; replaces proline 186 with serine.
Molecular consequence: missense variant. On other transcripts: 5 prime UTR variant (3), non-coding transcript variant (1).
Genome position (GRCh38, 1-based): chr10:63,217,329, G>A on the plus strand (C>T on the coding strand, the complement: JMJD1C is on the minus strand). VCF-style: chr10-63217329-G-A. GRCh37 (hg19) VCF-style: chr10-64977089-G-A.
Other names: c.10C>T, p.Pro4Ser (NM_001282948.2, NM_001318154.2); c.-313C>T (NM_001318153.2); c.442C>T, p.Pro148Ser (NM_001322252.2); c.-102C>T (NM_001322254.2, NM_001322258.2); c.556C>T (NM_032776.2); short protein forms P148S, P186S, P4S.
Identifiers: ClinVar variation 1406536 (VCV001406536.8), dbSNP rs1241903352, ClinGen allele CA377053904.

ClinVar aggregate classification (germline): Conflicting classifications of pathogenicity. Review status: criteria provided, conflicting classifications (1 of 4 stars). 3 submissions from 3 submitters: Uncertain significance (2); Benign (1). Last evaluated 2024-10-18.

Conditions:
JMJD1C-related disorder. Also called: JMJD1C-related condition.
Early Myoclonic Encephalopathy. Identifiers: MedGen C0270855.

Allele frequency attached by ClinVar (database versions not stated): gnomAD exomes below 0.00001; gnomAD 0.00001.
gnomAD v4.1: 2 of 1,562,464 alleles (0.00013%); highest among the groups gnomAD compares: Admixed American, 0.0021%; no homozygotes.

Submissions (3):

PreventionGenetics, part of Exact Sciences
Classification: Uncertain significance for JMJD1C-related condition. Last evaluated: 2024-10-18. Review status: criteria provided, single submitter. Criteria: ACMG Guidelines, 2015. Collection method: clinical testing. Allele origin: germline.
Comment: The JMJD1C c.556C>T variant is predicted to result in the amino acid substitution p.Pro186Ser. To our knowledge, this variant has not been reported in the literature or in a large population database (gnomAD), indicating this variant is rare. At this time, the clinical significance of this variant is uncertain due to the absence of conclusive functional and genetic evidence.

Labcorp Genetics (formerly Invitae), Labcorp
Classification: Uncertain significance for Early Myoclonic Encephalopathy. Last evaluated: 2022-07-05. Review status: criteria provided, single submitter. Criteria: Invitae Variant Classification Sherloc (09022015). Collection method: clinical testing. Allele origin: germline.
Comment: This sequence change replaces proline, which is neutral and non-polar, with serine, which is neutral and polar, at codon 186 of the JMJD1C protein (p.Pro186Ser). This variant is not present in population databases (gnomAD no frequency). This variant has not been reported in the literature in individuals affected with JMJD1C-related conditions. ClinVar contains an entry for this variant (Variation ID: 1406536). In summary, the available evidence is currently insufficient to determine the role of this variant in disease. Therefore, it has been classified as a Variant of Uncertain Significance. Algorithms developed to predict the effect of missense changes on protein structure and function are either unavailable or do not agree on the potential impact of this missense change (SIFT: "Tolerated"; PolyPhen-2: "Possibly Damaging"; Align-GVGD: "Class C0").

Mendelics
Classification: Benign. Last evaluated: 2022-05-04. Review status: criteria provided, single submitter. Criteria: Mendelics Assertion Criteria 2019. Collection method: clinical testing. Allele origin: germline.